The following is an entry in ClinVar:

NM_001162501.2(TNRC6B):c.871G>A (p.Asp291Asn)

Gene: TNRC6B (trinucleotide repeat containing adaptor 6B; plus strand). Cytogenetic location: 22q13.1.
Variant type: single nucleotide variant.
Coding change: c.871G>A on transcript NM_001162501.2 (MANE Select); coding-DNA position 871, G replaced by A.
Protein change: p.Asp291Asn; replaces aspartic acid 291 with asparagine.
Molecular consequence: missense variant. On other transcripts: intron variant (1).
Genome position (GRCh38, 1-based): chr22:40,265,101, G>A. VCF-style: chr22-40265101-G-A. GRCh37 (hg19) VCF-style: chr22-40661105-G-A.
Other names: c.871G>A, p.Asp291Asn (NM_015088.3); c.565+2928G>A (NM_001024843.2); short protein forms D291N.
Identifiers: ClinVar variation 4872365 (VCV004872365.2).

ClinVar aggregate classification (germline): Likely benign (1 of 4 stars; one submission).

Submission:

CeGaT Center for Human Genetics Tuebingen
Classification: Likely benign. Last evaluated: 2026-05-01. Review status: criteria provided, single submitter. Criteria: CeGaT Center For Human Genetics Tuebingen Variant Classification Criteria Version 2. Collection method: clinical testing. Allele origin: germline. Affected: yes. Observed: 2 variant alleles.
Comment: TNRC6B: BS1